The following is an entry in ClinVar:

ClinVar aggregate classification (germline): Uncertain significance (1 of 4 stars; one submission).

Allele frequency attached by ClinVar (database versions not stated): gnomAD exomes 0.00002.
gnomAD v4.1: 31 of 1,613,552 alleles (0.0019%); highest among the groups gnomAD compares: Non-Finnish European, 0.0025%; no homozygotes.

Submission:

Labcorp Genetics (formerly Invitae), Labcorp
Classification: Uncertain significance. Last evaluated: 2021-09-04. Review status: criteria provided, single submitter. Criteria: Invitae Variant Classification Sherloc (09022015). Collection method: clinical testing. Allele origin: germline.
Comment: In summary, the available evidence is currently insufficient to determine the role of this variant in disease. Therefore, it has been classified as a Variant of Uncertain Significance. Algorithms developed to predict the effect of sequence changes on RNA splicing suggest that this variant may create or strengthen a splice site. Algorithms developed to predict the effect of missense changes on protein structure and function output the following: SIFT: "Tolerated"; PolyPhen-2: "Benign"; Align-GVGD: "Class C0". The serine amino acid residue is found in multiple mammalian species, which suggests that this missense change does not adversely affect protein function. This variant has not been reported in the literature in individuals affected with TMEM38B-related conditions. This variant is not present in population databases (ExAC no frequency). This sequence change replaces glycine with serine at codon 128 of the TMEM38B protein (p.Gly128Ser). The glycine residue is weakly conserved and there is a small physicochemical difference between glycine and serine.

NM_018112.3(TMEM38B):c.382G>A (p.Gly128Ser)

Gene: TMEM38B (transmembrane protein 38B; plus strand). Cytogenetic location: 9q31.2.
Variant type: single nucleotide variant.
Coding change: c.382G>A on transcript NM_018112.3 (MANE Select); coding-DNA position 382, G replaced by A.
Protein change: p.Gly128Ser; replaces glycine 128 with serine.
Molecular consequence: missense variant.
Genome position (GRCh38, 1-based): chr9:105,721,649, G>A. VCF-style: chr9-105721649-G-A. GRCh37 (hg19) VCF-style: chr9-108483930-G-A.
Other names: short protein forms G128S.
Identifiers: ClinVar variation 1394362 (VCV001394362.6), dbSNP rs779947095, ClinGen allele CA198228713.
Genomic context (GRCh38, chr9:105,721,649, plus strand): 5'-CTACCTGTTCAACTACTGGCTTCGGGAATGAAGGAAGTGACCAGAACTTGGAAAATAGTA[G>A]GTGGAGTCACACATGCTAATAGCTATTACAAAAATGGCTGGATAGTCATGATAGCTATTG-3'
Protein context (NP_060582.1, residues 118-138): KEVTRTWKIV[Gly128Ser]GVTHANSYYK